The following is an entry in ClinVar:

NM_006005.3(WFS1):c.2607C>T (p.Ser869=)

Gene: WFS1 (wolframin ER transmembrane glycoprotein; plus strand). Cytogenetic location: 4p16.1.
Variant type: single nucleotide variant.
Coding change: c.2607C>T on transcript NM_006005.3 (MANE Select); coding-DNA position 2607, C replaced by T.
Protein change: p.Ser869=; no amino-acid change (serine 869 retained).
Molecular consequence: synonymous variant.
Genome position (GRCh38, 1-based): chr4:6,302,402, C>T. VCF-style: chr4-6302402-C-T. GRCh37 (hg19) VCF-style: chr4-6304129-C-T.
Other names: c.2607C>T, p.Ser869= (NM_001145853.1).
Identifiers: ClinVar variation 729809 (VCV000729809.8), dbSNP rs1410561677, ClinGen allele CA438211556.
Genomic context (GRCh38, chr4:6,302,402, plus strand): 5'-CTGCATGGCCCAGCTCTCACCCACCAGGCGGCACGTGAAGATCGAGCACGACTGGCGCAG[C>T]ACCGTGCATGGCGCCGTGAAGTTCGCCTTCGACTTCTTTTTCTTCCCATTCCTGTCGGCG-3'
Protein context (NP_005996.2, residues 859-879): RHVKIEHDWR[Ser869=]TVHGAVKFAF

ClinVar aggregate classification (germline): Benign/Likely benign. Review status: criteria provided, multiple submitters, no conflicts (2 of 4 stars). 3 submissions from 3 submitters: Benign (1); Likely benign (2). Last evaluated 2023-09-22.

Conditions:
Cataract 41 (CTRCT41). Also called: CATARACT 41, CONGENITAL NUCLEAR TYPE. Identifiers: Orphanet 91492, Orphanet 98991, Orphanet 98992, Orphanet 98995, MedGen C3805412, MONDO:0007287, OMIM 116400.
Autosomal dominant nonsyndromic hearing loss 6 (LFSNHL). Also called: DEAFNESS, AUTOSOMAL DOMINANT 6; DEAFNESS, AUTOSOMAL DOMINANT 14; DEAFNESS, AUTOSOMAL DOMINANT 38; Autosomal dominant nonsyndromic deafness 6. Identifiers: Orphanet 90635, MedGen C1833021, MONDO:0010963, OMIM 600965.
Type 2 diabetes mellitus. Also called: Type II diabetes mellitus. Identifiers: MedGen C0011860, MeSH D003924, MONDO:0005148, OMIM 125853, HP:0005978.
Wolfram syndrome 1 (WFS1). Identifiers: Orphanet 3463, MedGen C4551693, MONDO:0009101, OMIM 222300.
Wolfram-like syndrome. Also called: HEARING LOSS, PROGRESSIVE, WITH OPTIC ATROPHY AND/OR IMPAIRED GLUCOSE REGULATION. Identifiers: Orphanet 411590, MedGen C3280358, MONDO:0013673, OMIM 614296.

Allele frequency attached by ClinVar (database versions not stated): TOPMed 0.00002; gnomAD 0.00003 and 0.00004.
gnomAD v4.1: 12 of 1,613,082 alleles (0.00074%); highest among the groups gnomAD compares: African/African-American, 0.0093%; no homozygotes.

Submissions (3):

Labcorp Genetics (formerly Invitae), Labcorp
Classification: Likely benign. Last evaluated: 2023-09-22. Review status: criteria provided, single submitter. Criteria: Invitae Variant Classification Sherloc (09022015). Collection method: clinical testing. Allele origin: germline.

Fulgent Genetics
Classification: Likely benign for Cataract 41; Type 2 diabetes mellitus; Wolfram syndrome 1; Autosomal dominant nonsyndromic hearing loss 6; Wolfram-like syndrome. Last evaluated: 2021-11-20. Review status: criteria provided, single submitter. Criteria: ACMG Guidelines, 2015. Collection method: clinical testing. Allele origin: unknown.

Clinical Genomics, Uppaluri K&H Personalized Medicine Clinic
Classification: Benign for Wolfram syndrome 1. Review status: criteria provided, single submitter. Criteria: K & H Uppaluri Personalized Medicine Clinic Variant Classification & Assertion Criteria_Updated V.1. Collection method: research. Allele origin: unknown. Inheritance: Autosomal recessive inheritance.
Comment: Potent mutations in WFS1 gene are associated with Wolfram's syndrome, an autosomal recessive condition, which cause diabetes mellitus, diabetes insipidus, deafness and optic atrophy.However no sufficient evidence is found to ascertain the role of this particular variant rs1410561677 in Wolfram's syndrome yet.

Literature cited by the submitters: PubMed 20738327 (cited by Clinical Genomics, Uppaluri K&H Personalized Medicine Clinic); PubMed 33879153 (cited by Clinical Genomics, Uppaluri K&H Personalized Medicine Clinic); PubMed 12955714 (cited by Clinical Genomics, Uppaluri K&H Personalized Medicine Clinic); PubMed 18060660 (cited by Clinical Genomics, Uppaluri K&H Personalized Medicine Clinic); PubMed 20301750 (cited by Clinical Genomics, Uppaluri K&H Personalized Medicine Clinic); PubMed 17603484 (cited by Clinical Genomics, Uppaluri K&H Personalized Medicine Clinic).